The following is an entry in ClinVar:

ClinVar aggregate classification (germline): Uncertain significance. Review status: criteria provided, multiple submitters, no conflicts (2 of 4 stars). 3 submissions from 3 submitters: Uncertain significance (3). Last evaluated 2025-09-15.

Conditions:
Cardiofaciocutaneous syndrome 4 (CFC4). Also called: MAP2K2-Related Cardiofaciocutaneous Syndrome. Identifiers: Orphanet 1340, MedGen C3809007, MONDO:0014114, OMIM 615280.
RASopathy. Also called: rasopathies; Noonan spectrum disorder. Identifiers: Orphanet 536391, MedGen C5555857, MONDO:0021060.
Cardiovascular phenotype. Identifiers: MedGen CN230736.

Submissions (3):

Ambry Genetics
Classification: Uncertain significance for Cardiovascular phenotype. Last evaluated: 2025-09-15. Review status: criteria provided, single submitter. Criteria: Ambry Variant Classification Scheme 2023. Collection method: clinical testing. Allele origin: germline.
Comment: The c.903dupC variant, located in coding exon 7 of the MAP2K2 gene, results from a duplication of C at nucleotide position 903, causing a translational frameshift with a predicted alternate stop codon (p.G302Rfs*11). This alteration is expected to result in protein truncation or nonsense-mediated mRNA decay. However, loss of function has not been established as a mechanism of disease. Based on the available evidence, the clinical significance of this alteration remains unclear.

Labcorp Genetics (formerly Invitae), Labcorp
Classification: Uncertain significance for RASopathy. Last evaluated: 2025-07-20. Review status: criteria provided, single submitter. Criteria: Invitae Variant Classification Sherloc (09022015). Collection method: clinical testing. Allele origin: germline.
Comment: This sequence change creates a premature translational stop signal (p.Gly302Argfs*11) in the MAP2K2 gene. It is expected to result in an absent or disrupted protein product. However, the current clinical and genetic evidence is not sufficient to establish whether loss-of-function variants in MAP2K2 cause disease. The frequency data for this variant in the population databases is considered unreliable, as metrics indicate poor data quality at this position in the gnomAD database. This variant has not been reported in the literature in individuals affected with MAP2K2-related conditions. ClinVar contains an entry for this variant (Variation ID: 2663991). In summary, the available evidence is currently insufficient to determine the role of this variant in disease. Therefore, it has been classified as a Variant of Uncertain Significance.

St. Jude Molecular Pathology, St. Jude Children's Research Hospital
Classification: Uncertain significance for Cardiofaciocutaneous syndrome 4. Last evaluated: 2023-10-18. Review status: criteria provided, single submitter. Criteria: St. Jude Assertion Criteria 2020. Collection method: clinical testing. Allele origin: germline.
Comment: The MAP2K2 c.903dup (p.Gly302ArgfsTer11) change duplicates one nucleotide to cause a frameshift and the creation of a premature stop codon. This change is predicted to cause protein truncation or absence of protein due to nonsense-mediated decay, however loss-of-function has not been established as a mechanism of disease. To our knowledge, this variant has not been reported in individuals with cardiofaciocutanous syndrome. This variant is absent in gnomAD v2.1.1. In summary, the evidence currently available is insufficient to determine the clinical significance of this variant. It has therefore been classified as of uncertain significance.??

NM_030662.4(MAP2K2):c.903dup (p.Gly302fs)

Gene: MAP2K2 (mitogen-activated protein kinase kinase 2; minus strand). Cytogenetic location: 19p13.3.
Variant type: Duplication.
Coding change: c.903dup on transcript NM_030662.4 (MANE Select); coding-DNA position 903, one base duplicated (C; older notation c.903dupC).
Protein change: p.Gly302fs; shifts the reading frame from glycine 302.
Molecular consequence: frameshift variant.
Genome position (GRCh38, 1-based): chr19:4,099,217, G duplicated on the plus strand (C on the coding strand, the reverse complement: MAP2K2 is on the minus strand); the first of 6 consecutive G bases (chr19:4,099,217-4,099,222); duplicating any one gives the same sequence. VCF-style (leftmost placement, unchanged base first): chr19-4099216-C-CG. GRCh37 (hg19) VCF-style: chr19-4099214-C-CG.
Other names: c.903dup (NM_030662.3); c.903dupC (NM_030662.3); short protein forms G302fs.
Identifiers: ClinVar variation 2663991 (VCV002663991.4), dbSNP rs2040964977, ClinGen allele CA504986276.